The following is an entry in ClinVar:

NM_003482.4(KMT2D):c.10165A>G (p.Met3389Val)

Gene: KMT2D (lysine methyltransferase 2D; minus strand). Cytogenetic location: 12q13.12.
Variant type: single nucleotide variant.
Coding change: c.10165A>G on transcript NM_003482.4 (MANE Select); coding-DNA position 10165, A replaced by G.
Protein change: p.Met3389Val; replaces methionine 3389 with valine.
Molecular consequence: missense variant.
Genome position (GRCh38, 1-based): chr12:49,037,191, T>C on the plus strand (A>G on the coding strand, the complement: KMT2D is on the minus strand). VCF-style: chr12-49037191-T-C. GRCh37 (hg19) VCF-style: chr12-49430974-T-C.
Other names: short protein forms M3389V.
Identifiers: ClinVar variation 596725 (VCV000596725.29), dbSNP rs372740284, ClinGen allele CA6546598.
Genomic context (GRCh38, chr12:49,037,191, plus strand): 5'-CTGGGAAGAAGCTGTTTGCCAGCTGCTGCTGCATTGCCAATTGCTGCGGCTTCATGCACA[T>C]GGAAGGTGGCATGGTGCCCATGGGCTTCTGTGATAGCACTGGCTGTGAGCTCTGCTGGGG-3'
Protein context (NP_003473.3, residues 3379-3399): QKPMGTMPPS[Met3389Val]CMKPQQLAMQ

ClinVar aggregate classification (germline): Conflicting classifications of pathogenicity. Review status: criteria provided, conflicting classifications (1 of 4 stars). 4 submissions from 4 submitters: Uncertain significance (1); Benign (1); Likely benign (2). Last evaluated 2025-12-21.

Conditions:
Kabuki syndrome 1 (KABUK1). Also called: KMT2D-Related Kabuki Syndrome. Identifiers: Orphanet 2322, MedGen CN030661, MONDO:0007843, OMIM 147920.
Choanal atresia-athelia-hypothyroidism-delayed puberty-short stature syndrome (BCAHH). Also called: BRANCHIAL ARCH ABNORMALITIES, CHOANAL ATRESIA, ATHELIA, HEARING LOSS, AND HYPOTHYROIDISM SYNDROME. Identifiers: Orphanet 589856, MedGen C5680310, MONDO:0035651, OMIM 620186.
Kabuki syndrome. Also called: NIIKAWA-KUROKI SYNDROME; Kabuki make-up syndrome. Identifiers: Orphanet 2322, MedGen C0796004, MONDO:0016512.

Allele frequency attached by ClinVar (database versions not stated): gnomAD exomes 0.00002 and 0.00003; TOPMed 0.00002; ExAC 0.00004; gnomAD 0.00004; ESP Exome Variant Server 0.00008.
gnomAD v4.1: 39 of 1,606,462 alleles (0.0024%); highest among the groups gnomAD compares: Non-Finnish European, 0.0025%; no homozygotes.

Submissions (4):

Labcorp Genetics (formerly Invitae), Labcorp
Classification: Benign for Kabuki syndrome. Last evaluated: 2025-12-21. Review status: criteria provided, single submitter. Criteria: Invitae Variant Classification Sherloc (09022015). Collection method: clinical testing. Allele origin: germline.

CeGaT Center for Human Genetics Tuebingen
Classification: Likely benign. Last evaluated: 2025-07-01. Review status: criteria provided, single submitter. Criteria: CeGaT Center For Human Genetics Tuebingen Variant Classification Criteria Version 2. Collection method: clinical testing. Allele origin: germline. Affected: yes. Observed: 2 variant alleles.
Comment: KMT2D: BP4

Fulgent Genetics
Classification: Likely benign for Kabuki syndrome 1; Choanal atresia-athelia-hypothyroidism-delayed puberty-short stature syndrome. Last evaluated: 2024-03-20. Review status: criteria provided, single submitter. Criteria: ACMG Guidelines, 2015. Collection method: clinical testing. Allele origin: germline.

Eurofins Ntd Llc (ga)
Classification: Uncertain significance. Last evaluated: 2018-04-17. Review status: criteria provided, single submitter. Criteria: EGL ClinVar v180209 classification definitions. Collection method: clinical testing. Allele origin: germline. Observed: 1 variant allele, 1 heterozygote.